The following is an entry in ClinVar:

NM_024408.4(NOTCH2):c.5781+10A>G

Gene: NOTCH2 (notch receptor 2; minus strand). Cytogenetic location: 1p12.
Variant type: single nucleotide variant.
Coding change: c.5781+10A>G on transcript NM_024408.4 (MANE Select); 10 bases into the intron after coding-DNA position 5781, A replaced by G.
Molecular consequence: intron variant.
Genome position (GRCh38, 1-based): chr1:119,919,302, T>C on the plus strand (A>G on the coding strand, the complement: NOTCH2 is on the minus strand). VCF-style: chr1-119919302-T-C. GRCh37 (hg19) VCF-style: chr1-120461925-T-C.
Other names: c.5781+10A>G (NM_024408.3).
Identifiers: ClinVar variation 1989247 (VCV001989247.5), dbSNP rs369586235, ClinGen allele CA1039573.

ClinVar aggregate classification (germline): Likely benign. Review status: criteria provided, single submitter (1 of 4 stars). 2 submissions from 2 submitters: Likely benign (1). 1 of the submissions does not count toward it. Last evaluated 2025-03-13.

Conditions:
Hajdu-Cheney syndrome (HJCYS). Also called: SERPENTINE FIBULA-POLYCYSTIC KIDNEY SYNDROME; Acroosteolysis dominant type; ACROOSTEOLYSIS WITH OSTEOPOROSIS AND CHANGES IN SKULL AND MANDIBLE. Identifiers: Orphanet 955, MedGen C0917715, MONDO:0007057, OMIM 102500.
NOTCH2-related disorder. Also called: NOTCH2-related condition.

Allele frequency attached by ClinVar (database versions not stated): ESP Exome Variant Server 0.00008.
gnomAD v4.1: 11 of 1,607,956 alleles (0.00068%); highest among the groups gnomAD compares: Non-Finnish European, 0.00085%; no homozygotes.

Submissions (2):

Labcorp Genetics (formerly Invitae), Labcorp
Classification: Likely benign for Hajdu-Cheney syndrome. Last evaluated: 2025-03-13. Review status: criteria provided, single submitter. Criteria: Invitae Variant Classification Sherloc (09022015). Collection method: clinical testing. Allele origin: germline.

PreventionGenetics, part of Exact Sciences
Classification: Uncertain significance for NOTCH2-related condition. Last evaluated: 2024-08-03. Review status: no assertion criteria provided. Collection method: clinical testing. Allele origin: germline. Not counted in ClinVar's aggregate classification.
Comment: The NOTCH2 c.5781+10A>G variant is predicted to interfere with splicing. To our knowledge, this variant has not been reported in the literature. This variant is predicted to alter splicing based on available splicing prediction software (SpliceAI, Jaganathan et al. 2019. PubMed ID: 30661751). However, the use of computer prediction softwares is not equivalent to functional evidence. This variant is reported in 0.0044% of alleles in individuals of European (Non-Finnish) descent in gnomAD. However, the use of computer prediction programs is not equivalent to functional evidence, and therefore the clinical significance of this variant is uncertain.